The following is an entry in ClinVar:

NM_000322.5(PRPH2):c.2T>C (p.Met1Thr)

Gene: PRPH2 (peripherin 2; minus strand). Cytogenetic location: 6p21.1.
Variant type: single nucleotide variant.
Coding change: c.2T>C on transcript NM_000322.5 (MANE Select); coding-DNA position 2, T replaced by C.
Protein change: p.Met1Thr; changes the start codon (methionine 1).
Molecular consequence: missense variant, initiator codon variant.
Genome position (GRCh38, 1-based): chr6:42,722,333, A>G on the plus strand (T>C on the coding strand, the complement: PRPH2 is on the minus strand). VCF-style: chr6-42722333-A-G. GRCh37 (hg19) VCF-style: chr6-42690071-A-G.
Other names: short protein forms M1T.
Identifiers: ClinVar variation 13175 (VCV000013175.11), dbSNP rs121918565, ClinGen allele CA122940.

ClinVar aggregate classification (germline): Pathogenic/Likely pathogenic. Review status: criteria provided, multiple submitters, no conflicts (2 of 4 stars). 6 submissions from 6 submitters: Pathogenic (2); Likely pathogenic (1). 3 of the submissions do not count toward it. Last evaluated 2023-02-19.

Conditions:
Vitelliform macular dystrophy 3 (VMD3). Also called: PRPH2 vitelliform macular dystrophy; vitelliform macular dystrophy caused by mutation in PRPH2. Identifiers: MedGen CN295869, MONDO:0024561, OMIM 608161.
PRPH2-related disorder. Also called: PRPH2-related disorders; PRPH2-related condition. Identifiers: MedGen CN239395.
Retinal dystrophy. Also called: Inherited retinal dystrophy. Identifiers: Orphanet 71862, MedGen C0854723, MeSH D058499, MONDO:0019118, HP:0000556.

Submissions (6):

Labcorp Genetics (formerly Invitae), Labcorp
Classification: Pathogenic for PRPH2-related disorder. Last evaluated: 2023-02-19. Review status: criteria provided, single submitter. Criteria: Invitae Variant Classification Sherloc (09022015). Collection method: clinical testing. Allele origin: germline.
Comment: For these reasons, this variant has been classified as Pathogenic. ClinVar contains an entry for this variant (Variation ID: 13175). This variant is also known as M1T. Disruption of the initiator codon has been observed in individuals with clinical features of autosomal dominant PRPH2-related conditions (PMID: 9338584, 25472526, 29555955; Invitae). This variant is not present in population databases (gnomAD no frequency). This sequence change affects the initiator methionine of the PRPH2 mRNA. The next in-frame methionine is located at codon 23.

Blueprint Genetics
Classification: Pathogenic for PRPH2-related disorders. Last evaluated: 2022-12-01. Review status: criteria provided, single submitter. Criteria: ACMG Guidelines, 2015. Collection method: clinical testing. Allele origin: germline. Affected: yes. Observed: 1 variant allele.

Institute of Human Genetics, Univ. Regensburg, Univ. Regensburg
Classification: Likely pathogenic for Retinal dystrophy. Last evaluated: 2019-01-01. Review status: criteria provided, single submitter. Criteria: ACMG Guidelines, 2015. Collection method: clinical testing. Allele origin: germline. Affected: yes.

Leiden Open Variation Database
Classification: Pathogenic. Last evaluated: 2021-04-06. Review status: no assertion criteria provided. Collection method: curation. Allele origin: germline. Affected: yes. Not counted in ClinVar's aggregate classification.
Comment: Curator: Global Variome, with Curator vacancy. Submitters to LOVD: LOVD, Manon Peeters.

OMIM
Classification: Pathogenic for MACULAR DYSTROPHY, VITELLIFORM, 3. Last evaluated: 1997-01-01. Review status: no assertion criteria provided. Collection method: literature only. Allele origin: germline. Not counted in ClinVar's aggregate classification.

Retina International
No classification provided. Review status: no classification provided. Collection method: not provided. Allele origin: unknown. Not counted in ClinVar's aggregate classification.

Literature cited by the submitters: PubMed 9338584 (cited by 4 submitters); PubMed 25472526 (cited by Labcorp Genetics (formerly Invitae), Labcorp); PubMed 29555955 (cited by 3 submitters); PubMed 34411390 (cited by Institute of Human Genetics, Univ. Regensburg, Univ. Regensburg).